The following is an entry in ClinVar:

NM_006060.6(IKZF1):c.847C>A (p.Leu283Ile)

Gene: IKZF1 (IKAROS family zinc finger 1; plus strand). Cytogenetic location: 7p12.2.
Variant type: single nucleotide variant.
Coding change: c.847C>A on transcript NM_006060.6 (MANE Select); coding-DNA position 847, C replaced by A.
Protein change: p.Leu283Ile; replaces leucine 283 with isoleucine.
Molecular consequence: missense variant. On other transcripts: intron variant (7).
Genome position (GRCh38, 1-based): chr7:50,391,860, C>A. VCF-style: chr7-50391860-C-A. GRCh37 (hg19) VCF-style: chr7-50459558-C-A.
Other names: c.721C>A, p.Leu241Ile (NM_001220765.3, NM_001291837.2); c.586C>A, p.Leu196Ile (NM_001291838.2); c.460C>A, p.Leu154Ile (NM_001291839.2); c.418C>A, p.Leu140Ile (NM_001291841.1); c.292C>A, p.Leu98Ile (NM_001291843.1); c.907C>A, p.Leu303Ile (NM_001410879.1); c.590-8058C>A (NM_001220768.2); c.422-8058C>A (NM_001220771.2); and 5 more; short protein forms L154I, L283I, L98I, L140I, L196I, L241I, L303I.
Identifiers: ClinVar variation 2116115 (VCV002116115.4), dbSNP rs2538665641, ClinGen allele CA367536166.

ClinVar aggregate classification (germline): Uncertain significance (1 of 4 stars; one submission).

Allele frequency attached by ClinVar (database versions not stated): gnomAD exomes below 0.00001.
gnomAD v4.1: 1 of 1,611,512 alleles (0.000062%); highest among the groups gnomAD compares: African/African-American, 0.0013%; no homozygotes.

Submission:

Labcorp Genetics (formerly Invitae), Labcorp
Classification: Uncertain significance. Last evaluated: 2022-04-06. Review status: criteria provided, single submitter. Criteria: Invitae Variant Classification Sherloc (09022015). Collection method: clinical testing. Allele origin: germline.
Comment: In summary, the available evidence is currently insufficient to determine the role of this variant in disease. Therefore, it has been classified as a Variant of Uncertain Significance. Algorithms developed to predict the effect of missense changes on protein structure and function are either unavailable or do not agree on the potential impact of this missense change (SIFT: "Not Available"; PolyPhen-2: "Benign"; Align-GVGD: "Not Available"). This variant has not been reported in the literature in individuals affected with IKZF1-related conditions. This variant is not present in population databases (gnomAD no frequency). This sequence change replaces leucine, which is neutral and non-polar, with isoleucine, which is neutral and non-polar, at codon 283 of the IKZF1 protein (p.Leu283Ile).